The following is an entry in ClinVar:

ClinVar aggregate classification (germline): Uncertain significance. Review status: criteria provided, multiple submitters, no conflicts (2 of 4 stars). 2 submissions from 2 submitters: Uncertain significance (2). Last evaluated 2023-08-04.

Conditions:
Inborn genetic diseases. Identifiers: MedGen C0950123, MeSH D030342.
TP63-related disorder. Also called: TP63-Related Disorders; TP63-related condition. Identifiers: MedGen CN380159.

Allele frequency attached by ClinVar (database versions not stated): gnomAD exomes below 0.00001.
gnomAD v4.1: 1 of 1,614,126 alleles (0.000062%); highest among the groups gnomAD compares: Non-Finnish European, 0.000085%; no homozygotes.

Submissions (2):

Ambry Genetics
Classification: Uncertain significance for Inborn genetic diseases. Last evaluated: 2023-08-04. Review status: criteria provided, single submitter. Criteria: Ambry Variant Classification Scheme 2023. Collection method: clinical testing. Allele origin: germline.

PreventionGenetics, part of Exact Sciences
Classification: Uncertain significance for TP63-related condition. Last evaluated: 2022-11-11. Review status: criteria provided, single submitter. Criteria: ACMG Guidelines, 2015. Collection method: clinical testing. Allele origin: germline.
Comment: The TP63 c.1315C>A variant is predicted to result in the amino acid substitution p.Gln439Lys. To our knowledge, this variant has not been reported in the literature or in a large population database, indicating this variant is rare. At this time, the clinical significance of this variant is uncertain due to the absence of conclusive functional and genetic evidence.

NM_003722.5(TP63):c.1315C>A (p.Gln439Lys)

Gene: TP63 (tumor protein p63; plus strand). Cytogenetic location: 3q28.
Variant type: single nucleotide variant.
Coding change: c.1315C>A on transcript NM_003722.5 (MANE Select); coding-DNA position 1315, C replaced by A.
Protein change: p.Gln439Lys; replaces glutamine 439 with lysine.
Molecular consequence: missense variant.
Genome position (GRCh38, 1-based): chr3:189,872,961, C>A. VCF-style: chr3-189872961-C-A. GRCh37 (hg19) VCF-style: chr3-189590750-C-A.
Other names: c.1315C>A, p.Gln439Lys (NM_001114978.2, NM_001114979.2, NM_001329144.2); c.1033C>A, p.Gln345Lys (NM_001114980.2, NM_001114981.2, NM_001114982.2 and 1 more transcripts); c.778C>A, p.Gln260Lys (NM_001329146.2); c.1303C>A, p.Gln435Lys (NM_001329148.2); c.1021C>A, p.Gln341Lys (NM_001329149.2); c.766C>A, p.Gln256Lys (NM_001329150.2); c.1309C>A, p.Gln437Lys (NM_001329964.2); short protein forms Q256K, Q437K, Q260K, Q345K, Q439K, Q341K, Q435K.
Identifiers: ClinVar variation 2616407 (VCV002616407.3), dbSNP rs1022792371, ClinGen allele CA355756018.
Genomic context (GRCh38, chr3:189,872,961, plus strand): 5'-GAGTCCCTGGAACTCATGCAGTACCTTCCTCAGCACACAATTGAAACGTACAGGCAACAG[C>A]AACAGCAGCAGCACCAGCACTTACTTCAGAAACAGTGAGTGTATCAACGTGTCATTTTAG-3'
Protein context (NP_003713.3, residues 429-449): QHTIETYRQQ[Gln439Lys]QQQHQHLLQK